The following is an entry in ClinVar:

NM_000051.4(ATM):c.2007T>C (p.Cys669=)

Gene: ATM (ATM serine/threonine kinase; plus strand). Cytogenetic location: 11q22.3.
Variant type: single nucleotide variant.
Coding change: c.2007T>C on transcript NM_000051.4 (MANE Select); coding-DNA position 2007, T replaced by C.
Protein change: p.Cys669=; no amino-acid change (cysteine 669 retained).
Molecular consequence: synonymous variant.
Genome position (GRCh38, 1-based): chr11:108,253,922, T>C. VCF-style: chr11-108253922-T-C. GRCh37 (hg19) VCF-style: chr11-108124649-T-C.
Other names: c.2007T>C, p.Cys669= (NM_001351834.2).
Identifiers: ClinVar variation 3253757 (VCV003253757.1), dbSNP rs2497314100.

ClinVar aggregate classification (germline): Benign (1 of 4 stars; one submission).

Conditions:
Familial cancer of breast. Also called: BREAST CANCER, FAMILIAL; Hereditary breast cancer; hereditary breast carcinoma. Identifiers: Orphanet 227535, MedGen C0346153, MONDO:0016419, OMIM 114480. Disease mechanism: loss of function.

Submission:

Myriad Genetics, Inc.
Classification: Benign for Familial cancer of breast. Last evaluated: 2024-05-06. Review status: criteria provided, single submitter. Criteria: Myriad Autosomal Dominant, Autosomal Recessive and X-Linked Classification Criteria (2023). Collection method: clinical testing. Allele origin: unknown.
Comment: This variant is considered benign. This variant is a silent/synonymous amino acid change and it is not expected to impact splicing.